The following is an entry in ClinVar:

NC_000002.11:g.(?_73635740)_(73786279_?)del

Gene: ALMS1 (ALMS1 centrosome and basal body associated protein; plus strand). Cytogenetic location: 2p13.1.
Variant type: Deletion.
Identifiers: ClinVar variation 1456470 (VCV001456470.6).

ClinVar aggregate classification (germline): Pathogenic (1 of 4 stars; one submission).

Conditions:
Alstrom syndrome (ALMS). Identifiers: Orphanet 64, MedGen C0268425, MONDO:0008763, OMIM 203800.

Submission:

Labcorp Genetics (formerly Invitae), Labcorp
Classification: Pathogenic for Alstrom syndrome. Last evaluated: 2021-04-27. Review status: criteria provided, single submitter. Criteria: Invitae Variant Classification Sherloc (09022015). Collection method: clinical testing. Allele origin: germline.
Comment: For these reasons, this variant has been classified as Pathogenic. This variant has been observed in individual(s) with Bardet-Biedl syndrome (PMID: 27486776). This variant is a gross deletion of the genomic region encompassing exon(s) 2-15 of the ALMS1 gene. This deletion is out-of-frame, and is expected to create a premature translational stop signal and result in an absent or disrupted protein product. Loss-of-function variants in ALMS1 are known to be pathogenic (PMID: 17594715).

Literature cited by the submitters: PubMed 27486776; PubMed 17594715.